The following is an entry in ClinVar:

ClinVar aggregate classification (germline): Uncertain significance (1 of 4 stars; one submission).

Conditions:
Bardet-Biedl syndrome (BBS). Identifiers: Orphanet 110, MedGen C0752166, MONDO:0015229.

Allele frequency attached by ClinVar (database versions not stated): gnomAD exomes below 0.00001; TOPMed below 0.00001; gnomAD 0.00001.
gnomAD v4.1: 3 of 1,612,704 alleles (0.00019%); highest among the groups gnomAD compares: Non-Finnish European, 0.00025%; no homozygotes.

Submission:

Labcorp Genetics (formerly Invitae), Labcorp
Classification: Uncertain significance for Bardet-Biedl syndrome. Last evaluated: 2021-08-28. Review status: criteria provided, single submitter. Criteria: Invitae Variant Classification Sherloc (09022015). Collection method: clinical testing. Allele origin: germline.
Comment: This sequence change replaces isoleucine with threonine at codon 397 of the BBS7 protein (p.Ile397Thr). The isoleucine residue is moderately conserved and there is a moderate physicochemical difference between isoleucine and threonine. This variant is not present in population databases (ExAC no frequency). This variant has not been reported in the literature in individuals affected with BBS7-related conditions. Algorithms developed to predict the effect of missense changes on protein structure and function output the following: SIFT: "Tolerated"; PolyPhen-2: "Benign"; Align-GVGD: "Class C0". The threonine amino acid residue is found in multiple mammalian species, which suggests that this missense change does not adversely affect protein function. In summary, the available evidence is currently insufficient to determine the role of this variant in disease. Therefore, it has been classified as a Variant of Uncertain Significance.

NM_176824.3(BBS7):c.1190T>C (p.Ile397Thr)

Gene: BBS7 (Bardet-Biedl syndrome 7; minus strand). Cytogenetic location: 4q27.
Variant type: single nucleotide variant.
Coding change: c.1190T>C on transcript NM_176824.3 (MANE Select); coding-DNA position 1190, T replaced by C.
Protein change: p.Ile397Thr; replaces isoleucine 397 with threonine.
Molecular consequence: missense variant.
Genome position (GRCh38, 1-based): chr4:121,845,544, A>G on the plus strand (T>C on the coding strand, the complement: BBS7 is on the minus strand). VCF-style: chr4-121845544-A-G. GRCh37 (hg19) VCF-style: chr4-122766699-A-G.
Other names: c.1190T>C, p.Ile397Thr (NM_018190.4); short protein forms I397T.
Identifiers: ClinVar variation 1423822 (VCV001423822.5), dbSNP rs1725962975, ClinGen allele CA358061965.